The following is an entry in ClinVar:

ClinVar aggregate classification (germline): Uncertain significance (1 of 4 stars; one submission).

Conditions:
Hereditary cancer-predisposing syndrome. Also called: Neoplastic Syndromes, Hereditary; Tumor predisposition; Hereditary Cancer Syndrome; Hereditary neoplastic syndrome. Identifiers: Orphanet 140162, MedGen C0027672, MeSH D009386, MONDO:0015356.

Submission:

Ambry Genetics
Classification: Uncertain significance for Hereditary cancer-predisposing syndrome. Last evaluated: 2026-01-08. Review status: criteria provided, single submitter. Criteria: Ambry Variant Classification Scheme 2023. Collection method: clinical testing. Allele origin: germline.
Comment: The p.T775N variant (also known as c.2324C>A), located in coding exon 9 of the BRCA1 gene, results from a C to A substitution at nucleotide position 2324. The threonine at codon 775 is replaced by asparagine, an amino acid with similar properties. This amino acid position is well conserved in available vertebrate species. In addition, the in silico prediction for this alteration is inconclusive. Based on the available evidence, the clinical significance of this variant remains unclear.

NM_007294.4(BRCA1):c.2324C>A (p.Thr775Asn)

Gene: BRCA1 (BRCA1 DNA repair associated; minus strand). Cytogenetic location: 17q21.31.
Variant type: single nucleotide variant.
Coding change: c.2324C>A on transcript NM_007294.4 (MANE Select); coding-DNA position 2324, C replaced by A.
Protein change: p.Thr775Asn; replaces threonine 775 with asparagine.
Molecular consequence: missense variant. On other transcripts: intron variant (137).
Genome position (GRCh38, 1-based): chr17:43,093,207, G>T on the plus strand (C>A on the coding strand, the complement: BRCA1 is on the minus strand). VCF-style: chr17-43093207-G-T. GRCh37 (hg19) VCF-style: chr17-41245224-G-T.
Other names: c.2201C>A, p.Thr734Asn (NM_001407938.1, NM_001407939.1, NM_001407648.1 and 19 more transcripts); c.2198C>A, p.Thr733Asn (NM_001407940.1, NM_001407941.1, NM_001407649.1 and 11 more transcripts); c.2183C>A, p.Thr728Asn (NM_001407942.1, NM_001407944.1, NM_001407945.1 and 29 more transcripts); c.2180C>A, p.Thr727Asn (NM_001407943.1, NM_001407746.1, NM_001407747.1 and 20 more transcripts); c.2114C>A, p.Thr705Asn (NM_001407889.1, NM_001407900.1, NM_001407902.1 and 13 more transcripts); c.2111C>A, p.Thr704Asn (NM_001407894.1, NM_001407895.1, NM_001407896.1 and 9 more transcripts); c.787+1537C>A (NM_001407975.1, NM_001407971.1, NM_001407981.1 and 17 more transcripts); c.790+1534C>A (NM_001408406.1); and 41 more; short protein forms T479N, T648N, T686N, T707N, T727N, T728N, T748N, T775N.
Identifiers: ClinVar variation 4842660 (VCV004842660.1).